The following is an entry in ClinVar:

ClinVar aggregate classification (germline): Uncertain significance (1 of 4 stars; one submission).

Allele frequency attached by ClinVar (database versions not stated): TOPMed 0.00001.
gnomAD v4.1: 1 of 1,612,722 alleles (0.000062%); no homozygotes.

Submission:

Mayo Clinic Laboratories, Mayo Clinic
Classification: Uncertain significance. Last evaluated: 2022-08-03. Review status: criteria provided, single submitter. Criteria: ACMG Guidelines, 2015. Collection method: clinical testing. Allele origin: germline. Observed: 1 variant allele.
Comment: BP4, PM2_supporting

NM_139027.6(ADAMTS13):c.4000T>C (p.Phe1334Leu)

Gene: ADAMTS13 (ADAM metallopeptidase with thrombospondin type 1 motif 13; plus strand). Cytogenetic location: 9q34.2.
Variant type: single nucleotide variant.
Coding change: c.4000T>C on transcript NM_139027.6 (MANE Select); coding-DNA position 4000, T replaced by C.
Protein change: p.Phe1334Leu; replaces phenylalanine 1334 with leucine.
Molecular consequence: missense variant. On other transcripts: non-coding transcript variant (1).
Genome position (GRCh38, 1-based): chr9:133,459,064, T>C. VCF-style: chr9-133459064-T-C. GRCh37 (hg19) VCF-style: chr9-136324186-T-C.
Other names: p.Phe1390Leu; c.4168T>C, p.Phe1390Leu (NM_139025.5); c.3907T>C, p.Phe1303Leu (NM_139026.6); short protein forms F1303L, F1334L, F1390L.
Identifiers: ClinVar variation 2683085 (VCV002683085.1), dbSNP rs1842934544, ClinGen allele CA375420186.
Genomic context (GRCh38, chr9:133,459,064, plus strand): 5'-GCGTTCCATGGGCAGCAGGTGCTCTACTGGGAGTCAGAGAGCAGCCAGGCTGAGATGGAG[T>C]TCAGCGAGGGCTTCCTGAAGGCTCAGGCCAGCCTGCGGGGCCAGTACTGGACCCTCCAAT-3'
Protein context (NP_620596.2, residues 1324-1344): ESESSQAEME[Phe1334Leu]SEGFLKAQAS